The following is an entry in ClinVar:

ClinVar aggregate classification (germline): Uncertain significance (1 of 4 stars; one submission).

Submission:

Women's Health and Genetics/Laboratory Corporation of America, LabCorp
Classification: Uncertain significance. Last evaluated: 2024-04-10. Review status: criteria provided, single submitter. Criteria: LabCorp Variant Classification Summary - May 2015. Collection method: clinical testing. Allele origin: germline.
Comment: Variant summary: KMT2C c.4112A>G (p.Asp1371Gly) results in a non-conservative amino acid change in the encoded protein sequence. Four of four in-silico tools predict a damaging effect of the variant on protein function. The variant was absent in 196580 control chromosomes. The available data on variant occurrences in the general population are insufficient to allow any conclusion about variant significance. To our knowledge, no occurrence of c.4112A>G in individuals affected with Kleefstra Syndrome 2 and no experimental evidence demonstrating its impact on protein function have been reported. No submitters have cited clinical-significance assessments for this variant to ClinVar. Based on the evidence outlined above, the variant was classified as uncertain significance.

NM_170606.3(KMT2C):c.4112A>G (p.Asp1371Gly)

Gene: KMT2C (lysine methyltransferase 2C; minus strand). Cytogenetic location: 7q36.1.
Variant type: single nucleotide variant.
Coding change: c.4112A>G on transcript NM_170606.3 (MANE Select); coding-DNA position 4112, A replaced by G.
Protein change: p.Asp1371Gly; replaces aspartic acid 1371 with glycine.
Molecular consequence: missense variant.
Genome position (GRCh38, 1-based): chr7:152,199,440, T>C on the plus strand (A>G on the coding strand, the complement: KMT2C is on the minus strand). VCF-style: chr7-152199440-T-C. GRCh37 (hg19) VCF-style: chr7-151896525-T-C.
Other names: short protein forms D1371G.
Identifiers: ClinVar variation 3251381 (VCV003251381.1), dbSNP rs1206457248.